The following is an entry in ClinVar:

NM_001128840.3(CACNA1D):c.1535A>G (p.Asn512Ser)

Gene: CACNA1D (calcium voltage-gated channel subunit alpha1 D; plus strand). Cytogenetic location: 3p21.1.
Variant type: single nucleotide variant.
Coding change: c.1535A>G on transcript NM_001128840.3 (MANE Select); coding-DNA position 1535, A replaced by G.
Protein change: p.Asn512Ser; replaces asparagine 512 with serine.
Molecular consequence: missense variant.
Genome position (GRCh38, 1-based): chr3:53,722,343, A>G. VCF-style: chr3-53722343-A-G. GRCh37 (hg19) VCF-style: chr3-53756370-A-G.
Other names: c.1595A>G, p.Asn532Ser (NM_000720.4); c.1535A>G, p.Asn512Ser (NM_001128839.3); c.1595A>G (NM_000720.2); short protein forms N512S, N532S.
Identifiers: ClinVar variation 1489399 (VCV001489399.11), dbSNP rs202097014, ClinGen allele CA2454030.

ClinVar aggregate classification (germline): Uncertain significance. Review status: criteria provided, multiple submitters, no conflicts (2 of 4 stars). 3 submissions from 3 submitters: Uncertain significance (3). Last evaluated 2025-06-12.

Allele frequency attached by ClinVar (database versions not stated): TOPMed below 0.00001; ExAC 0.00002; gnomAD exomes 0.00002.
gnomAD v4.1: 26 of 1,614,120 alleles (0.0016%); highest among the groups gnomAD compares: Admixed American, 0.005%; no homozygotes.

Submissions (3):

Labcorp Genetics (formerly Invitae), Labcorp
Classification: Uncertain significance. Last evaluated: 2025-06-12. Review status: criteria provided, single submitter. Criteria: Invitae Variant Classification Sherloc (09022015). Collection method: clinical testing. Allele origin: germline.
Comment: This sequence change replaces asparagine, which is neutral and polar, with serine, which is neutral and polar, at codon 532 of the CACNA1D protein (p.Asn532Ser). This variant is present in population databases (rs202097014, gnomAD 0.006%). This variant has not been reported in the literature in individuals affected with CACNA1D-related conditions. ClinVar contains an entry for this variant (Variation ID: 1489399). Invitae Evidence Modeling of protein sequence and biophysical properties (such as structural, functional, and spatial information, amino acid conservation, physicochemical variation, residue mobility, and thermodynamic stability) indicates that this missense variant is not expected to disrupt CACNA1D protein function with a negative predictive value of 80%. In summary, the available evidence is currently insufficient to determine the role of this variant in disease. Therefore, it has been classified as a Variant of Uncertain Significance.

Women's Health and Genetics/Laboratory Corporation of America, LabCorp
Classification: Uncertain significance. Last evaluated: 2025-01-14. Review status: criteria provided, single submitter. Criteria: LabCorp Variant Classification Summary - May 2015. Collection method: clinical testing. Allele origin: germline.
Comment: Variant summary: CACNA1D c.1595A>G (p.Asn532Ser) results in a conservative amino acid change located in the Ion transport protein domain (IPR005821) of the encoded protein sequence. Five of five in-silico tools predict a benign effect of the variant on protein function. The variant allele was found at a frequency of 1.6e-05 in 251494 control chromosomes. The available data on variant occurrences in the general population are insufficient to allow any conclusion about variant significance. To our knowledge, no occurrence of c.1595A>G in individuals affected with Sinoatrial Node Dysfunction And Deafness and no experimental evidence demonstrating its impact on protein function have been reported. ClinVar contains an entry for this variant (Variation ID: 1489399). Based on the evidence outlined above, the variant was classified as uncertain significance.

GeneDx
Classification: Uncertain significance. Last evaluated: 2024-06-10. Review status: criteria provided, single submitter. Criteria: GeneDx Variant Classification Process June 2021. Collection method: clinical testing. Allele origin: germline. Affected: yes.
Comment: In silico analysis indicates that this missense variant does not alter protein structure/function; Has not been previously published as pathogenic or benign to our knowledge